The following is an entry in ClinVar:

NM_002900.3(RBP3):c.1864G>T (p.Ala622Ser)

Gene: RBP3 (retinol binding protein 3; plus strand). Cytogenetic location: 10q11.22.
Variant type: single nucleotide variant.
Coding change: c.1864G>T on transcript NM_002900.3 (MANE Select); coding-DNA position 1864, G replaced by T.
Protein change: p.Ala622Ser; replaces alanine 622 with serine.
Molecular consequence: missense variant.
Genome position (GRCh38, 1-based): chr10:47,350,348, G>T. VCF-style: chr10-47350348-G-T. GRCh37 (hg19) VCF-style: chr10-48389014-C-A.
Other names: short protein forms A622S.
Identifiers: ClinVar variation 857002 (VCV000857002.11), dbSNP rs1565765941, ClinGen allele CA376671629.

ClinVar aggregate classification (germline): Uncertain significance (1 of 4 stars; one submission).

Submission:

Labcorp Genetics (formerly Invitae), Labcorp
Classification: Uncertain significance. Last evaluated: 2022-06-13. Review status: criteria provided, single submitter. Criteria: Invitae Variant Classification Sherloc (09022015). Collection method: clinical testing. Allele origin: germline.
Comment: This variant is not present in population databases (gnomAD no frequency). This variant has not been reported in the literature in individuals affected with RBP3-related conditions. This sequence change replaces alanine, which is neutral and non-polar, with serine, which is neutral and polar, at codon 622 of the RBP3 protein (p.Ala622Ser). ClinVar contains an entry for this variant (Variation ID: 857002). In summary, the available evidence is currently insufficient to determine the role of this variant in disease. Therefore, it has been classified as a Variant of Uncertain Significance. Algorithms developed to predict the effect of missense changes on protein structure and function are either unavailable or do not agree on the potential impact of this missense change (SIFT: "Deleterious"; PolyPhen-2: "Benign"; Align-GVGD: "Class C0").